The following is an entry in ClinVar:

NC_000010.10:g.(?_13152353)_(13162081_?)del

Gene: OPTN (optineurin; plus strand). Cytogenetic location: 10p13.
Variant type: Deletion.
Identifiers: ClinVar variation 2426704 (VCV002426704.6).

ClinVar aggregate classification (germline): Likely pathogenic (1 of 4 stars; one submission).

Conditions:
Glaucoma 1, open angle, E. Identifiers: MedGen C1842026, MONDO:0007665.
Primary open angle glaucoma (POAG). Also called: OPTN-related open angle glaucoma. Identifiers: MedGen C0339573, MONDO:0100553, OMIM 137760.
Amyotrophic lateral sclerosis type 12 (ALS12). Also called: AMYOTROPHIC LATERAL SCLEROSIS 12 WITH OR WITHOUT FRONTOTEMPORAL DEMENTIA. Identifiers: Orphanet 803, MedGen C3150692, MONDO:0013264, OMIM 613435.

Submission:

Labcorp Genetics (formerly Invitae), Labcorp
Classification: Likely pathogenic for Primary open angle glaucoma; Glaucoma 1, open angle, E; Amyotrophic lateral sclerosis type 12. Last evaluated: 2022-05-05. Review status: criteria provided, single submitter. Criteria: Invitae Variant Classification Sherloc (09022015). Collection method: clinical testing. Allele origin: germline.
Comment: This variant results in the deletion of part of exon 3 and exons 4-6 (c.252_779+1047del) of the OPTN gene. It is expected to disrupt RNA splicing. Variants that disrupt the donor or acceptor splice site typically lead to a loss of protein function (PMID: 16199547), and loss-of-function variants in OPTN are known to be pathogenic (PMID: 20428114). This variant has not been reported in the literature in individuals affected with OPTN-related conditions. In summary, the currently available evidence indicates that the variant is pathogenic, but additional data are needed to prove that conclusively. Therefore, this variant has been classified as Likely Pathogenic.

Literature cited by the submitters: PubMed 16199547; PubMed 20428114.